The following is an entry in ClinVar:

NM_198578.4(LRRK2):c.1517G>A (p.Arg506Gln)

Gene: LRRK2 (leucine rich repeat kinase 2; plus strand). Cytogenetic location: 12q12.
Variant type: single nucleotide variant.
Coding change: c.1517G>A on transcript NM_198578.4 (MANE Select); coding-DNA position 1517, G replaced by A.
Protein change: p.Arg506Gln; replaces arginine 506 with glutamine.
Molecular consequence: missense variant.
Genome position (GRCh38, 1-based): chr12:40,259,578, G>A. VCF-style: chr12-40259578-G-A. GRCh37 (hg19) VCF-style: chr12-40653380-G-A.
Other names: short protein forms R506Q.
Identifiers: ClinVar variation 39135 (VCV000039135.12), dbSNP rs202009639, ClinGen allele CA343481.

ClinVar aggregate classification (germline): Likely benign. Review status: criteria provided, multiple submitters, no conflicts (2 of 4 stars). 3 submissions from 3 submitters: Likely benign (2). 1 of the submissions does not count toward it. Last evaluated 2025-03-26.

Conditions:
Autosomal dominant Parkinson disease 8. Also called: LRRK2-Related Parkinson Disease; Parkinson disease 8; Parkinson disease 8, susceptibility to. Identifiers: Orphanet 411602, MedGen C1846862, MONDO:0011764, OMIM 607060.

Allele frequency attached by ClinVar (database versions not stated): TOPMed 0.00004; gnomAD exomes 0.00011; gnomAD 0.00003 and 0.00004; ExAC 0.00013.
gnomAD v4.1: 174 of 1,613,076 alleles (0.011%); highest among the groups gnomAD compares: Middle Eastern, 0.15%; 3 homozygotes.

Submissions (3):

Labcorp Genetics (formerly Invitae), Labcorp
Classification: Likely benign for Autosomal dominant Parkinson disease 8. Last evaluated: 2025-03-26. Review status: criteria provided, single submitter. Criteria: Invitae Variant Classification Sherloc (09022015). Collection method: clinical testing. Allele origin: germline.

GeneDx
Classification: Likely benign. Last evaluated: 2020-09-10. Review status: criteria provided, single submitter. Criteria: GeneDx Variant Classification Process June 2021. Collection method: clinical testing. Allele origin: germline. Affected: yes.
Comment: See Variant Classification Assertion Criteria.

GeneReviews
No classification provided. Condition: Autosomal dominant Parkinson disease 8. Review status: no classification provided. Collection method: literature only. Allele origin: unknown. Not counted in ClinVar's aggregate classification.

Literature cited by the submitters: PubMed 20301387 (cited by GeneReviews); NCBI Bookshelf NBK1208 (cited by GeneReviews).